The following is an entry in ClinVar:

NM_001130438.3(SPTAN1):c.692A>G (p.Asp231Gly)

Gene: SPTAN1 (spectrin alpha, non-erythrocytic 1; plus strand). Cytogenetic location: 9q34.11.
Variant type: single nucleotide variant.
Coding change: c.692A>G on transcript NM_001130438.3 (MANE Select); coding-DNA position 692, A replaced by G.
Protein change: p.Asp231Gly; replaces aspartic acid 231 with glycine.
Molecular consequence: missense variant.
Genome position (GRCh38, 1-based): chr9:128,576,863, A>G. VCF-style: chr9-128576863-A-G. GRCh37 (hg19) VCF-style: chr9-131339142-A-G.
Other names: c.692A>G, p.Asp231Gly (NM_001195532.2, NM_001363759.2, NM_001363765.2 and 5 more transcripts); c.728A>G, p.Asp243Gly (NM_001375312.2, NM_001375318.1); short protein forms D243G, D231G.
Identifiers: ClinVar variation 1462781 (VCV001462781.10), dbSNP rs2131005873, ClinGen allele CA375048094.

ClinVar aggregate classification (germline): Uncertain significance. Review status: criteria provided, multiple submitters, no conflicts (2 of 4 stars). 2 submissions from 2 submitters: Uncertain significance (2). Last evaluated 2023-05-08.

Conditions:
Early-infantile DEE. Also called: Early infantile epileptic encephalopathy; Early infantile epileptic encephalopathy with suppression bursts; Ohtahara syndrome. Identifiers: Orphanet 1934, MedGen C0393706, MONDO:0800491.

Submissions (2):

Blueprint Genetics
Classification: Uncertain significance. Last evaluated: 2023-05-08. Review status: criteria provided, single submitter. Criteria: ACMG Guidelines, 2015. Collection method: clinical testing. Allele origin: germline.

Labcorp Genetics (formerly Invitae), Labcorp
Classification: Uncertain significance for Early-infantile DEE. Last evaluated: 2022-07-19. Review status: criteria provided, single submitter. Criteria: Invitae Variant Classification Sherloc (09022015). Collection method: clinical testing. Allele origin: germline.
Comment: This variant has not been reported in the literature in individuals affected with SPTAN1-related conditions. This variant is not present in population databases (gnomAD no frequency). This sequence change replaces aspartic acid, which is acidic and polar, with glycine, which is neutral and non-polar, at codon 231 of the SPTAN1 protein (p.Asp231Gly). ClinVar contains an entry for this variant (Variation ID: 1462781). In summary, the available evidence is currently insufficient to determine the role of this variant in disease. Therefore, it has been classified as a Variant of Uncertain Significance. Algorithms developed to predict the effect of sequence changes on RNA splicing suggest that this variant may create or strengthen a splice site. Algorithms developed to predict the effect of missense changes on protein structure and function are either unavailable or do not agree on the potential impact of this missense change (SIFT: "Deleterious"; PolyPhen-2: "Benign"; Align-GVGD: "Class C15").